The following is an entry in ClinVar:

NM_205836.3(FBXO38):c.1123T>C (p.Tyr375His)

Gene: FBXO38 (F-box protein 38; plus strand). Cytogenetic location: 5q32.
Variant type: single nucleotide variant.
Coding change: c.1123T>C on transcript NM_205836.3 (MANE Select); coding-DNA position 1123, T replaced by C.
Protein change: p.Tyr375His; replaces tyrosine 375 with histidine.
Molecular consequence: missense variant.
Genome position (GRCh38, 1-based): chr5:148,414,165, T>C. VCF-style: chr5-148414165-T-C. GRCh37 (hg19) VCF-style: chr5-147793728-T-C.
Other names: c.1123T>C, p.Tyr375His (NM_001271723.2, NM_030793.5); short protein forms Y375H.
Identifiers: ClinVar variation 2989424 (VCV002989424.3), dbSNP rs1752924212, ClinGen allele CA361658620.

ClinVar aggregate classification (germline): Uncertain significance (1 of 4 stars; one submission).

Conditions:
Distal hereditary motor neuropathy type 2. Identifiers: Orphanet 139525, MedGen C3711384, MeSH C580044, MONDO:0015352.

Allele frequency attached by ClinVar (database versions not stated): gnomAD exomes below 0.00001; TOPMed below 0.00001.
gnomAD v4.1: 2 of 1,610,918 alleles (0.00012%); highest among the groups gnomAD compares: Non-Finnish European, 0.000085%; no homozygotes.

Submission:

Labcorp Genetics (formerly Invitae), Labcorp
Classification: Uncertain significance for Distal hereditary motor neuropathy type 2. Last evaluated: 2023-08-01. Review status: criteria provided, single submitter. Criteria: Invitae Variant Classification Sherloc (09022015). Collection method: clinical testing. Allele origin: germline.
Comment: In summary, the available evidence is currently insufficient to determine the role of this variant in disease. Therefore, it has been classified as a Variant of Uncertain Significance. Advanced modeling of protein sequence and biophysical properties (such as structural, functional, and spatial information, amino acid conservation, physicochemical variation, residue mobility, and thermodynamic stability) performed at Invitae indicates that this missense variant is not expected to disrupt FBXO38 protein function. This variant has not been reported in the literature in individuals affected with FBXO38-related conditions. This variant is not present in population databases (gnomAD no frequency). This sequence change replaces tyrosine, which is neutral and polar, with histidine, which is basic and polar, at codon 375 of the FBXO38 protein (p.Tyr375His).